The following is an entry in ClinVar:

ClinVar aggregate classification (germline): Uncertain significance (1 of 4 stars; one submission).

Submission:

Labcorp Genetics (formerly Invitae), Labcorp
Classification: Uncertain significance. Last evaluated: 2022-04-12. Review status: criteria provided, single submitter. Criteria: Invitae Variant Classification Sherloc (09022015). Collection method: clinical testing. Allele origin: germline.
Comment: In summary, the available evidence is currently insufficient to determine the role of this variant in disease. Therefore, it has been classified as a Variant of Uncertain Significance. Algorithms developed to predict the effect of missense changes on protein structure and function output the following: SIFT: "Deleterious"; PolyPhen-2: "Benign"; Align-GVGD: "Class C25". The glutamine amino acid residue is found in multiple mammalian species, which suggests that this missense change does not adversely affect protein function. This variant has not been reported in the literature in individuals affected with LTBP2-related conditions. This variant is not present in population databases (gnomAD no frequency). This sequence change replaces glutamic acid, which is acidic and polar, with glutamine, which is neutral and polar, at codon 1256 of the LTBP2 protein (p.Glu1256Gln).

NM_000428.3(LTBP2):c.3766G>C (p.Glu1256Gln)

Gene: LTBP2 (latent transforming growth factor beta binding protein 2; minus strand). Cytogenetic location: 14q24.3.
Variant type: single nucleotide variant.
Coding change: c.3766G>C on transcript NM_000428.3 (MANE Select); coding-DNA position 3766, G replaced by C.
Protein change: p.Glu1256Gln; replaces glutamic acid 1256 with glutamine.
Molecular consequence: missense variant.
Genome position (GRCh38, 1-based): chr14:74,507,982, C>G on the plus strand (G>C on the coding strand, the complement: LTBP2 is on the minus strand). VCF-style: chr14-74507982-C-G. GRCh37 (hg19) VCF-style: chr14-74974685-C-G.
Other names: short protein forms E1256Q.
Identifiers: ClinVar variation 2102310 (VCV002102310.4), dbSNP rs2506135533, ClinGen allele CA390387311.